The following is an entry in ClinVar:

ClinVar aggregate classification (germline): Uncertain significance (1 of 4 stars; one submission).

gnomAD v4.1: 6 of 1,529,272 alleles (0.00039%); highest among the groups gnomAD compares: Non-Finnish European, 0.00053%; no homozygotes.

Submission:

Ambry Genetics
Classification: Uncertain significance. Last evaluated: 2025-07-31. Review status: criteria provided, single submitter. Criteria: Ambry Variant Classification Scheme 2023. Collection method: clinical testing. Allele origin: germline.
Comment: The p.I200T variant (also known as c.599T>C), located in coding exon 6 of the RAD51B gene, results from a T to C substitution at nucleotide position 599. The isoleucine at codon 200 is replaced by threonine, an amino acid with similar properties. This amino acid position is conserved. In addition, the in silico prediction for this alteration is inconclusive. Based on the available evidence, the clinical significance of this variant remains unclear.

NM_133510.4(RAD51B):c.599T>C (p.Ile200Thr)

Gene: RAD51B (RAD51 paralog B; plus strand). Cytogenetic location: 14q24.1.
Variant type: single nucleotide variant.
Coding change: c.599T>C on transcript NM_133510.4 (MANE Select); coding-DNA position 599, T replaced by C.
Protein change: p.Ile200Thr; replaces isoleucine 200 with threonine.
Molecular consequence: missense variant.
Genome position (GRCh38, 1-based): chr14:67,887,047, T>C. VCF-style: chr14-67887047-T-C. GRCh37 (hg19) VCF-style: chr14-68353764-T-C.
Other names: c.599T>C, p.Ile200Thr (NM_001321809.2, NM_001321810.2, NM_001321812.1 and 6 more transcripts); c.485T>C, p.Ile162Thr (NM_001321815.1); c.242T>C, p.Ile81Thr (NM_001321817.2); short protein forms I200T, I81T, I162T.
Identifiers: ClinVar variation 4149837 (VCV004149837.1).
Genomic context (GRCh38, chr14:67,887,047, plus strand): 5'-TTTATTGACTATTTTATAAATTCTTCTTTTATAGGATTGAATCTTTGGAAGAAGAAATTA[T>C]CTCAAAAGGAATTAAACTTGTGATTCTTGACTCTGTTGCTTCTGTGGTCAGAAAGGAGTT-3'
Protein context (NP_598194.1, residues 190-210): QRIESLEEEI[Ile200Thr]SKGIKLVILD